The following is an entry in ClinVar:

ClinVar aggregate classification (germline): Likely benign (1 of 4 stars; one submission).

Allele frequency attached by ClinVar (database versions not stated): ExAC 0.00001; gnomAD 0.00001; gnomAD exomes 0.00002; TOPMed 0.00002; 1000 Genomes Project 30x 0.00016; 1000 Genomes Project 0.00020.
gnomAD v4.1: 11 of 1,614,026 alleles (0.00068%); highest among the groups gnomAD compares: East Asian, 0.011%; no homozygotes.

Submission:

CeGaT Center for Human Genetics Tuebingen
Classification: Likely benign. Last evaluated: 2023-12-01. Review status: criteria provided, single submitter. Criteria: CeGaT Center For Human Genetics Tuebingen Variant Classification Criteria Version 2. Collection method: clinical testing. Allele origin: germline. Affected: yes. Observed: 1 variant allele.
Comment: SETX: BP4, BP7

NM_015046.7(SETX):c.7719C>T (p.Gly2573=)

Gene: SETX (senataxin; minus strand). Cytogenetic location: 9q34.13.
Variant type: single nucleotide variant.
Coding change: c.7719C>T on transcript NM_015046.7 (MANE Select); coding-DNA position 7719, C replaced by T.
Protein change: p.Gly2573=; no amino-acid change (glycine 2573 retained).
Molecular consequence: synonymous variant.
Genome position (GRCh38, 1-based): chr9:132,264,554, G>A on the plus strand (C>T on the coding strand, the complement: SETX is on the minus strand). VCF-style: chr9-132264554-G-A. GRCh37 (hg19) VCF-style: chr9-135139941-G-A.
Other names: c.7719C>T, p.Gly2573= (NM_001351527.2); c.7806C>T, p.Gly2602= (NM_001351528.2).
Identifiers: ClinVar variation 3026331 (VCV003026331.22), dbSNP rs143797641, ClinGen allele CA5296349.